The following is an entry in ClinVar:

NM_001378454.1(ALMS1):c.384A>G (p.Thr128=)

Gene: ALMS1 (ALMS1 centrosome and basal body associated protein; plus strand). Cytogenetic location: 2p13.1.
Variant type: single nucleotide variant.
Coding change: c.384A>G on transcript NM_001378454.1 (MANE Select); coding-DNA position 384, A replaced by G.
Protein change: p.Thr128=; no amino-acid change (threonine 128 retained).
Molecular consequence: synonymous variant.
Genome position (GRCh38, 1-based): chr2:73,408,681, A>G. VCF-style: chr2-73408681-A-G. GRCh37 (hg19) VCF-style: chr2-73635809-A-G.
Other names: c.387A>G, p.Thr129= (NM_015120.4).
Identifiers: ClinVar variation 930037 (VCV000930037.5), dbSNP rs1671018024, ClinGen allele CA426766964.

ClinVar aggregate classification (germline): Likely benign. Review status: criteria provided, multiple submitters, no conflicts (2 of 4 stars). 2 submissions from 2 submitters: Likely benign (2). Last evaluated 2024-02-09.

Conditions:
ALMS1-related disorder. Also called: ALMS1-related condition.

Submissions (2):

PreventionGenetics, part of Exact Sciences
Classification: Likely benign for ALMS1-related condition. Last evaluated: 2024-02-09. Review status: criteria provided, single submitter. Criteria: ACMG Guidelines, 2015. Collection method: clinical testing. Allele origin: germline.
Comment: This variant is classified as likely benign based on ACMG/AMP sequence variant interpretation guidelines (Richards et al. 2015 PMID: 25741868, with internal and published modifications).

Laboratory for Molecular Medicine, Mass General Brigham Personalized Medicine
Classification: Likely benign. Last evaluated: 2020-04-02. Review status: criteria provided, single submitter. Criteria: LMM Criteria. Collection method: clinical testing. Allele origin: germline. Observed: 1 variant allele.
Comment: The p.Thr128Thr variant in ALMS1 is classified as likely benign because it does not alter an amino acid residue, it is not located within the splice consensus sequence, and splice prediction algorithms do not predict a newly created splice site. ACMG/AMP Criteria applied: BP4, BP7.